The following is an entry in ClinVar:

ClinVar aggregate classification (germline): Pathogenic (1 of 4 stars; one submission).

Submission:

GeneDx
Classification: Pathogenic. Last evaluated: 2024-04-18. Review status: criteria provided, single submitter. Criteria: GeneDx Variant Classification Process June 2021. Collection method: clinical testing. Allele origin: germline. Affected: yes.
Comment: Frameshift variant predicted to result in protein truncation or nonsense mediated decay in a gene for which loss of function is a known mechanism of disease; This variant is associated with the following publications: (PMID: 21937992)

NM_032360.4(ACBD6):c.63_64del (p.Asp23fs)

Gene: ACBD6 (acyl-CoA binding domain containing 6; minus strand). Cytogenetic location: 1q25.3.
Variant type: Deletion.
Coding change: c.63_64del on transcript NM_032360.4 (MANE Select); coding-DNA positions 63 to 64, 2 bases deleted (AG; older notation c.63_64delAG).
Protein change: p.Asp23fs; shifts the reading frame from aspartic acid 23.
Molecular consequence: frameshift variant.
Genome position (GRCh38, 1-based): chr1:180,502,203-180,502,204, CT deleted on the plus strand (AG on the coding strand, the reverse complement: ACBD6 is on the minus strand). VCF-style (leftmost placement, unchanged base first): chr1-180502202-CCT-C. GRCh37 (hg19) VCF-style: chr1-180471337-CCT-C.
Other names: short protein forms D23fs.
Identifiers: ClinVar variation 3363383 (VCV003363383.1).